The following is an entry in ClinVar:

NM_000718.4(CACNA1B):c.1330G>A (p.Val444Ile)

Gene: CACNA1B (calcium voltage-gated channel subunit alpha1 B; plus strand). Cytogenetic location: 9q34.3.
Variant type: single nucleotide variant.
Coding change: c.1330G>A on transcript NM_000718.4 (MANE Select); coding-DNA position 1330, G replaced by A.
Protein change: p.Val444Ile; replaces valine 444 with isoleucine.
Molecular consequence: missense variant.
Genome position (GRCh38, 1-based): chr9:137,957,684, G>A. VCF-style: chr9-137957684-G-A. GRCh37 (hg19) VCF-style: chr9-140852136-G-A.
Other names: c.1330G>A, p.Val444Ile (NM_001243812.2); short protein forms V444I.
Identifiers: ClinVar variation 2116338 (VCV002116338.1), dbSNP rs777089428, ClinGen allele CA5376117.

ClinVar aggregate classification (germline): Uncertain significance (1 of 4 stars; one submission).

Allele frequency attached by ClinVar (database versions not stated): gnomAD 0.00001; gnomAD exomes 0.00001; ExAC 0.00002.
gnomAD v4.1: 11 of 1,590,472 alleles (0.00069%); highest among the groups gnomAD compares: Non-Finnish European, 0.00094%; 1 homozygote.

Submission:

Labcorp Genetics (formerly Invitae), Labcorp
Classification: Uncertain significance. Last evaluated: 2022-03-23. Review status: criteria provided, single submitter. Criteria: Invitae Variant Classification Sherloc (09022015). Collection method: clinical testing. Allele origin: germline.
Comment: This sequence change replaces valine, which is neutral and non-polar, with isoleucine, which is neutral and non-polar, at codon 444 of the CACNA1B protein (p.Val444Ile). The frequency data for this variant in the population databases is considered unreliable, as metrics indicate poor data quality at this position in the gnomAD database. This variant has not been reported in the literature in individuals affected with CACNA1B-related conditions. Advanced modeling of protein sequence and biophysical properties (such as structural, functional, and spatial information, amino acid conservation, physicochemical variation, residue mobility, and thermodynamic stability) performed at Invitae indicates that this missense variant is not expected to disrupt CACNA1B protein function. In summary, the available evidence is currently insufficient to determine the role of this variant in disease. Therefore, it has been classified as a Variant of Uncertain Significance.